The following is an entry in ClinVar:

ClinVar aggregate classification (germline): Uncertain significance (1 of 4 stars; one submission).

Conditions:
Inborn genetic diseases. Identifiers: MedGen C0950123, MeSH D030342.

Submission:

Ambry Genetics
Classification: Uncertain significance for Inborn genetic diseases. Last evaluated: 2023-02-10. Review status: criteria provided, single submitter. Criteria: Ambry Variant Classification Scheme 2023. Collection method: clinical testing. Allele origin: germline.
Comment: The p.L1840F variant (also known as c.5520A>T), located in coding exon 38 of the LRRK2 gene, results from an A to T substitution at nucleotide position 5520. The leucine at codon 1840 is replaced by phenylalanine, an amino acid with highly similar properties. This amino acid position is conserved. In addition, the in silico prediction for this alteration is inconclusive. Since supporting evidence is limited at this time, the clinical significance of this alteration remains unclear.

NM_198578.4(LRRK2):c.5520A>T (p.Leu1840Phe)

Gene: LRRK2 (leucine rich repeat kinase 2; plus strand). Cytogenetic location: 12q12.
Variant type: single nucleotide variant.
Coding change: c.5520A>T on transcript NM_198578.4 (MANE Select); coding-DNA position 5520, A replaced by T.
Protein change: p.Leu1840Phe; replaces leucine 1840 with phenylalanine.
Molecular consequence: missense variant.
Genome position (GRCh38, 1-based): chr12:40,323,170, A>T. VCF-style: chr12-40323170-A-T. GRCh37 (hg19) VCF-style: chr12-40716972-A-T.
Other names: short protein forms L1840F.
Identifiers: ClinVar variation 2453110 (VCV002453110.2), dbSNP rs2499888667, ClinGen allele CA384420967.